The following is an entry in ClinVar:

NM_001184880.2(PCDH19):c.1901_1902insG (p.Lys635fs)

Gene: PCDH19 (protocadherin 19; minus strand). Cytogenetic location: Xq22.1.
Variant type: Insertion.
Coding change: c.1901_1902insG on transcript NM_001184880.2 (MANE Select); coding-DNA positions 1901 to 1902, G inserted.
Protein change: p.Lys635fs; shifts the reading frame from lysine 635.
Molecular consequence: frameshift variant.
Genome position: GRCh38 VCF-style: chrX-100406696-G-GC. GRCh37 (hg19) VCF-style: chrX-99661694-G-GC.
Other names: c.1901_1902insG, p.Lys635fs (NM_001105243.2, NM_020766.3); short protein forms K635fs.
Identifiers: ClinVar variation 849772 (VCV000849772.10), dbSNP rs1928359639, ClinGen allele CA916083977.

ClinVar aggregate classification (germline): Pathogenic (1 of 4 stars; one submission).

Conditions:
Developmental and epileptic encephalopathy, 9 (DEE9). Also called: Early infantile epileptic encephalopathy 9; EPILEPSY, FEMALE-RESTRICTED, WITH MENTAL RETARDATION; JUBERG-HELLMAN SYNDROME; PCDH19-Related X-Linked Female-Limited Epilepsy with Mental Retardation. Identifiers: Orphanet 101039, Orphanet 2076, MedGen C1848137, MONDO:0010246, OMIM 300088. Disease mechanism: loss of function.

Submission:

Labcorp Genetics (formerly Invitae), Labcorp
Classification: Pathogenic for Developmental and epileptic encephalopathy, 9. Last evaluated: 2019-12-16. Review status: criteria provided, single submitter. Criteria: Invitae Variant Classification Sherloc (09022015). Collection method: clinical testing. Allele origin: germline.
Comment: For these reasons, this variant has been classified as Pathogenic. Loss-of-function variants in PCDH19 are known to be pathogenic (PMID: 21053371). This variant has not been reported in the literature in individuals with PCDH19-related conditions. This variant is not present in population databases (ExAC no frequency). This sequence change creates a premature translational stop signal (p.Lys635Glnfs*5) in the PCDH19 gene. It is expected to result in an absent or disrupted protein product.

Literature cited by the submitters: PubMed 21053371.